The following is an entry in ClinVar:

ClinVar aggregate classification (germline): Likely pathogenic (1 of 4 stars; one submission).

Conditions:
Phelan-McDermid syndrome. Also called: TELOMERIC 22q13 MONOSOMY SYNDROME; 22q13.3 deletion syndrome; Phelan-McDermid Syndrome-SHANK3 Related. Identifiers: Orphanet 48652, MedGen C1853490, MONDO:0011652, OMIM 606232.

Submission:

3billion
Classification: Likely pathogenic for Phelan-McDermid syndrome. Last evaluated: 2024-09-24. Review status: criteria provided, single submitter. Criteria: ACMG Guidelines, 2015. Collection method: clinical testing. Allele origin: germline. Affected: yes.
Comment: The variant is observed at an extremely low frequency in the gnomAD v4.1.0 dataset (total allele frequency: <0.001%). Predicted Consequence/Location: Frameshift: predicted to result in a loss or disruption of normal protein function through nonsense-mediated decay (NMD) or protein truncation. Multiple pathogenic variants are reported downstream of the variant. Therefore, this variant is classified as Likely pathogenic according to the recommendation of ACMG/AMP guideline.

NM_001372044.2(SHANK3):c.2732del (p.Pro911fs)

Gene: SHANK3 (SH3 and multiple ankyrin repeat domains 3; plus strand). Cytogenetic location: 22q13.33.
Variant type: Deletion.
Coding change: c.2732del on transcript NM_001372044.2 (MANE Select); coding-DNA position 2732, one base deleted (C; older notation c.2732delC).
Protein change: p.Pro911fs; shifts the reading frame from proline 911.
Molecular consequence: frameshift variant.
Genome position (GRCh38, 1-based): chr22:50,720,340, C deleted; the last of 5 consecutive C bases (chr22:50,720,336-50,720,340); deleting any one gives the same sequence. VCF-style (leftmost placement, unchanged base first): chr22-50720335-GC-G. GRCh37 (hg19) VCF-style: chr22-51158763-GC-G.
Other names: short protein forms P911fs.
Identifiers: ClinVar variation 4293411 (VCV004293411.1).